The following is an entry in ClinVar:

NM_001384140.1(PCDH15):c.291C>G (p.Asn97Lys)

Gene: PCDH15 (protocadherin related 15; minus strand). Cytogenetic location: 10q21.1.
Variant type: single nucleotide variant.
Coding change: c.291C>G on transcript NM_001384140.1 (MANE Select); coding-DNA position 291, C replaced by G.
Protein change: p.Asn97Lys; replaces asparagine 97 with lysine.
Molecular consequence: missense variant.
Genome position (GRCh38, 1-based): chr10:54,378,809, G>C on the plus strand (C>G on the coding strand, the complement: PCDH15 is on the minus strand). VCF-style: chr10-54378809-G-C. GRCh37 (hg19) VCF-style: chr10-56138569-G-C.
Other names: c.306C>G, p.Asn102Lys (NM_001142763.2, NM_001142769.4, NM_001142771.2); c.291C>G, p.Asn97Lys (NM_001142764.2, NM_001142765.2, NM_001142766.2 and 8 more transcripts); c.225C>G, p.Asn75Lys (NM_001142768.2, NM_001142773.2, NM_001354404.2); short protein forms N102K, N75K, N97K.
Identifiers: ClinVar variation 5004164 (VCV005004164.1).

ClinVar aggregate classification (germline): Uncertain significance (1 of 4 stars; one submission).

Conditions:
Usher syndrome type 1F (USH1F). Also called: USHER SYNDROME, TYPE IF. Identifiers: Orphanet 231169, Orphanet 886, MedGen C1865885, MONDO:0011186, OMIM 602083.

gnomAD v4.1: 1 of 1,613,796 alleles (0.000062%); highest among the groups gnomAD compares: East Asian, 0.0022%; no homozygotes.

Submission:

Myriad Genetics, Inc.
Classification: Uncertain significance for Usher syndrome type 1F. Last evaluated: 2025-09-11. Review status: criteria provided, single submitter. Criteria: Myriad Autosomal Dominant, Autosomal Recessive and X-Linked Classification Criteria (2023). Collection method: clinical testing. Allele origin: unknown.
Comment: NM_033056.3(PCDH15):c.291C>G(N97K) is a missense variant classified as a variant of uncertain significance in the context of PCDH15-related disorders. N97K has been observed in cases with relevant disease (PMID: 34599366). Relevant functional assessments of this variant are not available in the literature. N97K has been observed in referenced population frequency databases. In summary, there is insufficient evidence to classify NM_033056.3(PCDH15):c.291C>G(N97K) as pathogenic or benign. Please note: this variant was assessed in the context of healthy population screening.

Literature cited by the submitters: PubMed 34599366.